The following is an entry in ClinVar:

NM_001136239.4(PRDM6):c.140C>G (p.Pro47Arg)

Genes: PRDM6 (PR/SET domain 6; plus strand), PRDM6-AS1 (PRDM6 antisense RNA 1; minus strand). Cytogenetic location: 5q23.2.
Variant type: single nucleotide variant.
Coding change: c.140C>G on transcript NM_001136239.4 (MANE Select); coding-DNA position 140, C replaced by G.
Protein change: p.Pro47Arg; replaces proline 47 with arginine.
Molecular consequence: missense variant. On other transcripts: non-coding transcript variant (1).
Genome position (GRCh38, 1-based): chr5:123,090,154, C>G. VCF-style: chr5-123090154-C-G. GRCh37 (hg19) VCF-style: chr5-122425849-C-G.
Other names: short protein forms P47R.
Identifiers: ClinVar variation 3356848 (VCV003356848.2).

ClinVar aggregate classification (germline): Likely benign. Review status: criteria provided, single submitter (1 of 4 stars). 2 submissions from 2 submitters: Likely benign (1). 1 of the submissions does not count toward it. Last evaluated 2024-10-14.

Conditions:
PRDM6-related disorder. Also called: PRDM6-related condition.

gnomAD v4.1: 2,083 of 1,521,304 alleles (0.14%); highest among the groups gnomAD compares: Non-Finnish European, 0.17%; 1 homozygote.

Submissions (2):

Blueprint Genetics
Classification: Likely benign. Last evaluated: 2024-10-14. Review status: criteria provided, single submitter. Criteria: ACMG Guidelines, 2015. Collection method: clinical testing. Allele origin: germline.

PreventionGenetics, part of Exact Sciences
Classification: Likely benign for PRDM6-related condition. Last evaluated: 2024-05-25. Review status: no assertion criteria provided. Collection method: clinical testing. Allele origin: germline. Not counted in ClinVar's aggregate classification.
Comment: This variant is classified as likely benign based on ACMG/AMP sequence variant interpretation guidelines (Richards et al. 2015 PMID: 25741868, with internal and published modifications).